The following is an entry in ClinVar:

NM_000051.4(ATM):c.3061G>T (p.Val1021Leu)

Gene: ATM (ATM serine/threonine kinase; plus strand). Cytogenetic location: 11q22.3.
Variant type: single nucleotide variant.
Coding change: c.3061G>T on transcript NM_000051.4 (MANE Select); coding-DNA position 3061, G replaced by T.
Protein change: p.Val1021Leu; replaces valine 1021 with leucine.
Molecular consequence: missense variant.
Genome position (GRCh38, 1-based): chr11:108,271,390, G>T. VCF-style: chr11-108271390-G-T. GRCh37 (hg19) VCF-style: chr11-108142117-G-T.
Other names: c.3061G>T, p.Val1021Leu (NM_001351834.2); short protein forms V1021L.
Identifiers: ClinVar variation 2587778 (VCV002587778.5), dbSNP rs2135554706, ClinGen allele CA382547650.
Genomic context (GRCh38, chr11:108,271,390, plus strand): 5'-CTAGGTCAAAGCAATATGGACTCTGAGAACACAAGGGATGCTCAAGGACAGTTTCTTACA[G>T]TAATTGGAGCATTTTGGTAGGTACAGTCTATTTTGTGGTCCTATTTTTCTTTTGCTATCT-3'
Protein context (NP_000042.3, residues 1011-1031): TRDAQGQFLT[Val1021Leu]IGAFWHLTKE

ClinVar aggregate classification (germline): Uncertain significance. Review status: criteria provided, multiple submitters, no conflicts (2 of 4 stars). 2 submissions from 2 submitters: Uncertain significance (2). Last evaluated 2026-01-02.

Conditions:
Ataxia-telangiectasia syndrome (AT). Also called: Cerebello-oculocutaneous telangiectasia; Immunodeficiency with ataxia telangiectasia; Ataxia-telangiectasia, complementation group D; ATAXIA-TELANGIECTASIA, COMPLEMENTATION GROUP A; ATAXIA-TELANGIECTASIA, FRESNO VARIANT; Ataxia-telangiectasia. Identifiers: Orphanet 100, MedGen C0004135, MONDO:0008840, OMIM 208900.
Hereditary cancer-predisposing syndrome. Also called: Tumor predisposition; Neoplastic Syndromes, Hereditary; Hereditary Cancer Syndrome; Hereditary neoplastic syndrome. Identifiers: Orphanet 140162, MedGen C0027672, MeSH D009386, MONDO:0015356.

Submissions (2):

Labcorp Genetics (formerly Invitae), Labcorp
Classification: Uncertain significance for Ataxia-telangiectasia syndrome. Last evaluated: 2026-01-02. Review status: criteria provided, single submitter. Criteria: Invitae Variant Classification Sherloc (09022015). Collection method: clinical testing. Allele origin: germline.
Comment: This sequence change replaces valine, which is neutral and non-polar, with leucine, which is neutral and non-polar, at codon 1021 of the ATM protein (p.Val1021Leu). This variant is not present in population databases (gnomAD no frequency). This variant has not been reported in the literature in individuals affected with ATM-related conditions. ClinVar contains an entry for this variant (Variation ID: 2587778). Invitae Evidence Modeling of protein sequence and biophysical properties (such as structural, functional, and spatial information, amino acid conservation, physicochemical variation, residue mobility, and thermodynamic stability) indicates that this missense variant is not expected to disrupt ATM protein function with a negative predictive value of 95%. In summary, the available evidence is currently insufficient to determine the role of this variant in disease. Therefore, it has been classified as a Variant of Uncertain Significance.

Ambry Genetics
Classification: Uncertain significance for Hereditary cancer-predisposing syndrome. Last evaluated: 2023-07-20. Review status: criteria provided, single submitter. Criteria: Ambry Variant Classification Scheme 2023. Collection method: clinical testing. Allele origin: germline.
Comment: The p.V1021L variant (also known as c.3061G>T), located in coding exon 19 of the ATM gene, results from a G to T substitution at nucleotide position 3061. The valine at codon 1021 is replaced by leucine, an amino acid with highly similar properties. This amino acid position is highly conserved in available vertebrate species. In addition, the in silico prediction for this alteration is inconclusive. Since supporting evidence is limited at this time, the clinical significance of this alteration remains unclear.